The following is an entry in ClinVar:

ClinVar aggregate classification (germline): Conflicting classifications of pathogenicity. Review status: criteria provided, conflicting classifications (1 of 4 stars). 14 submissions from 14 submitters: Uncertain significance (4); Benign (2); Likely benign (4). 4 of the submissions do not count toward it. Last evaluated 2026-08-23.

Conditions:
PKD1-related disorder. Also called: PKD1-related condition.
Inborn genetic diseases. Identifiers: MedGen C0950123, MeSH D030342.
Polycystic kidney disease, adult type (PKD1). Also called: POLYCYSTIC KIDNEY DISEASE, ADULT, TYPE I; Polycystic Kidney, Autosomal Dominant; POLYCYSTIC KIDNEY DISEASE 1 WITH OR WITHOUT POLYCYSTIC LIVER DISEASE; Polycystic Kidney Disease 1, Autosomal Dominant; Polycystic kidney disease 1; Polycystic kidney disease 1, severe. Identifiers: MedGen C3149841, MONDO:0008263, OMIM 173900.
Polycystic kidney disease. Also called: Kidney, Polycystic; Polycystic kidney dysplasia. Identifiers: MedGen C0022680, MeSH D007690, MONDO:0020642, HP:0000113.

Allele frequency attached by ClinVar (database versions not stated): 1000 Genomes Project 30x 0.00172; 1000 Genomes Project 0.00200; gnomAD 0.00476 and 0.00495; ESP Exome Variant Server 0.00581; TOPMed 0.00591.
gnomAD v4.1: 14,561 of 1,609,844 alleles (0.9%); highest among the groups gnomAD compares: Non-Finnish European, 1.1%; 106 homozygotes.

Submissions 1 to 9 of 14:

PreventionGenetics, part of Exact Sciences
Classification: Uncertain significance for PKD1-related condition. Last evaluated: 2026-08-23. Review status: criteria provided, single submitter. Criteria: ACMG Guidelines, 2015. Collection method: clinical testing. Allele origin: germline.
Comment: The PKD1 c.8293C>T variant is predicted to result in the amino acid substitution p.Arg2765Cys. This variant has been reported to be a likely hypomorphic allele for autosomal dominant polycystic kidney disease (ADPKD) (Rossetti et al. 2009. PubMed ID: 19165178; Bullich et al. 2018. PubMed ID: 29801666; Nielsen et al. 2021. PubMed ID: 33639313). By itself, this type of variant may cause no disease or only relatively mild disease. However, in combination with other pathogenic variants, it may contribute to disease severity. In the Rossetti et al. study, the c.8293C>T (p.Arg2765Cys) variant was suggested to contribute to two unrelated cases of ADPKD with in utero onset when present in trans with a truncating pathogenic PKD1 variant. This variant is reported in 0.86% of alleles, including at least nine homozygotes, in individuals of European (non-Finnish) descent in gnomAD v2.1.1. Therefore this variant is interpreted as a likely hypomorphic allele within the category of variants of uncertain significance.

Women's Health and Genetics/Laboratory Corporation of America, LabCorp
Classification: Uncertain significance. Last evaluated: 2026-04-28. Review status: criteria provided, single submitter. Criteria: LabCorp Variant Classification Summary - May 2015. Collection method: clinical testing. Allele origin: germline.
Comment: Variant summary: PKD1 c.8293C>T (p.Arg2765Cys) results in a non-conservative amino acid change located in the REJ domain (IPR014010) of the encoded protein sequence. Algorithms developed to predict the effect of missense changes on protein structure and function are either unavailable or do not agree on the potential impact of this missense change. The variant allele was found at a frequency of 0.0047 in 247274 control chromosomes in the gnomAD database, including 7 homozygotes. However, c.8293C>T has been reported in the literature as a putative hypomorphic variant in compound heterozygosity with other variants in individuals affected with PKD1-Biallelic Autosomal Recessive Polycystic Kidney Disease (e.g. Rossetti_2009). This includes cases with an in utero onset of disease who also had pathogenic variants in trans. These data indicate that the variant may be associated with disease when inherited in trans with other pathogenic or hypomorphic variants. The following publications have been ascertained in the context of this evaluation (PMID: 34890546, 33639313, 19165178, 33226606, 32398770, 27499327, 25920554, 29801666, 36938073). ClinVar contains an entry for this variant (Variation ID: 183257). Based on the evidence outlined above, the variant was classified as VUS-possibly pathogenic.

CeGaT Center for Human Genetics Tuebingen
Classification: Likely benign. Last evaluated: 2026-02-01. Review status: criteria provided, single submitter. Criteria: CeGaT Center For Human Genetics Tuebingen Variant Classification Criteria Version 2. Collection method: clinical testing. Allele origin: germline. Affected: yes. Observed: 20 variant alleles.
Comment: PKD1: BP4, BS2

Blueprint Genetics
Classification: Likely benign. Last evaluated: 2024-11-14. Review status: criteria provided, single submitter. Criteria: ACMG Guidelines, 2015. Collection method: clinical testing. Allele origin: germline.

Mendelics
Classification: Benign for Polycystic kidney disease, adult type. Last evaluated: 2023-08-22. Review status: criteria provided, single submitter. Criteria: Mendelics Assertion Criteria 2019. Collection method: clinical testing. Allele origin: germline.

Ambry Genetics
Classification: Likely benign for Inborn genetic diseases. Last evaluated: 2022-12-13. Review status: criteria provided, single submitter. Criteria: Ambry Variant Classification Scheme 2023. Collection method: clinical testing. Allele origin: germline.

Victorian Clinical Genetics Services, Murdoch Childrens Research Institute
Classification: Likely benign for Polycystic kidney disease, adult type. Last evaluated: 2022-02-02. Review status: criteria provided, single submitter. Criteria: ACMG Guidelines, 2015. Collection method: clinical testing. Allele origin: germline. Inheritance: Autosomal dominant inheritance.
Comment: Based on the classification scheme VCGS_Germline_v1.3.4, this variant is classified as Likely benign. Following criteria are met: 0102 - Loss of function is a known mechanism of disease in this gene and is associated with polycystic kidney disease 1 (MIM#173900). (I) 0107 - This gene is associated with autosomal dominant disease. Polycystic kidney disease 1 (MIM#173900) is predominantly caused by monoallelic variants, with rare reports of biallelic variants causing disease (OMIM). (I) 0200 - Variant is predicted to result in a missense amino acid change from arginine to cysteine. (I) 0251 - This variant is heterozygous. (I) 0309 - An alternative amino acid change at the same position has been observed in gnomAD (v2) (37 heterozygotes, 0 homozygotes). (I) 0308 - Population frequency for this variant is out of keeping with known incidence of polycystic kidney disease 1 (MIM#173900). (SB) 0502 - Missense variant with conflicting in silico predictions and uninformative conservation. (I) 0600 - Variant is located in the annotated REJ domain (UniProt). (I) 0710 - Another missense variant comparable to the one identified in this case has inconclusive previous evidence for pathogenicity. This alternative change (p.(Arg2765His)) has been reported as a VUS and as a polymorphism (ClinVar, PMID: 26632257, PMID: 27499327). (I) 0808 - Previous reports of pathogenicity for this variant are conflicting. This variant has been recently reported as benign, a VUS and as a likely pathogenic hypomorphic allele, and is commonly observed in multiple individuals with PKD who had additional causative variants in the PKD1 and PKD2 genes (ClinVar,, PMID: 27499327, PMID: 33639313, PMID: 33226606). (I) 1010 - Functional evidence for this variant is inconclusive. An individual with this variant and two additional pathogenic variants in the PKD1 and PKD2 genes, demonstrated reduced TRPP2 expression but no change in PC1 (PMID: 31514750). (I) 1208 - Inheritance information for this variant is not currently available in this individual. (I) Legend: (SP) - Supporting pathogenic, (I) - Information, (SB) - Supporting benign

GeneDx
Classification: Uncertain significance. Last evaluated: 2021-10-01. Review status: criteria provided, single submitter. Criteria: GeneDx Variant Classification Process June 2021. Collection method: clinical testing. Allele origin: germline. Affected: yes.
Comment: Reported in unrelated individuals, with one or more additional PKD1 variants, with polycystic kidney disease (Rossetti et al., 2012; Audrezet et al., 2016; Carrera et al., 2016; Cnossen et al., 2016; Bullich et al., 2018); Reported previously in multiple individuals with polycystic kidney disease (PKD), including two unrelated individuals with in utero presentation, who also harbored a loss-of-function PKD1 variant in trans with R2765C, leading the authors to postulate that R2765C may be a hypomorphic allele (Tan et al., 2014; Rossetti et al., 2009); In silico analysis supports that this missense variant has a deleterious effect on protein structure/function; R2765C had no identifiable impact on pre-mRNA splicing as a mechanism of disease in a minigene assay (Gonzalez-Paredes et al., 2014); This variant is associated with the following publications: (PMID: 24907393, 19165178, 29801666, 26139440, 11857740, 11115377, 22383692, 27499327, 33639313, 33226606, 33454723, 25920554, 24374109)

Athena Diagnostics
Classification: Benign. Last evaluated: 2019-03-30. Review status: criteria provided, single submitter. Criteria: Athena Diagnostics Criteria. Collection method: clinical testing. Allele origin: germline.

NM_001009944.3(PKD1):c.8293C>T (p.Arg2765Cys)

Gene: PKD1 (polycystin 1, transient receptor potential channel interacting; minus strand). Cytogenetic location: 16p13.3.
Variant type: single nucleotide variant.
Coding change: c.8293C>T on transcript NM_001009944.3 (MANE Select); coding-DNA position 8293, C replaced by T.
Protein change: p.Arg2765Cys; replaces arginine 2765 with cysteine.
Molecular consequence: missense variant.
Genome position (GRCh38, 1-based): chr16:2,103,764, G>A on the plus strand (C>T on the coding strand, the complement: PKD1 is on the minus strand). VCF-style: chr16-2103764-G-A. GRCh37 (hg19) VCF-style: chr16-2153765-G-A.
Other names: c.8293C>T, p.Arg2765Cys (NM_000296.4); short protein forms R2765C.
Identifiers: ClinVar variation 183257 (VCV000183257.60), dbSNP rs144979397, ClinGen allele CA210925.